The following is an entry in ClinVar:

NM_000179.3(MSH6):c.402T>C (p.Phe134=)

Gene: MSH6 (mutS homolog 6; plus strand). Cytogenetic location: 2p16.3.
Variant type: single nucleotide variant.
Coding change: c.402T>C on transcript NM_000179.3 (MANE Select); coding-DNA position 402, T replaced by C.
Protein change: p.Phe134=; no amino-acid change (phenylalanine 134 retained).
Molecular consequence: synonymous variant. On other transcripts: 5 prime UTR variant (2), intron variant (1).
Genome position (GRCh38, 1-based): chr2:47,791,068, T>C. VCF-style: chr2-47791068-T-C. GRCh37 (hg19) VCF-style: chr2-48018207-T-C.
Other names: c.402T>C (NM_000179.2); c.-335T>C (NM_001281493.2); c.-501T>C (NM_001281494.2); c.238-7543T>C (NM_001281492.2).
Identifiers: ClinVar variation 1119268 (VCV001119268.11), dbSNP rs2104108680, ClinGen allele CA425989413.
Genomic context (GRCh38, chr2:47,791,068, plus strand): 5'-CTTTGATGGAACATTCATCCGCGAGAAAGGGAAATCAGTCCGTGTTCATGTACAGTTTTT[T>C]GATGACAGCCCAACAAGGGGCTGGGTTAGCAAAAGGCTTTTAAAGCCATATACAGGTAAG-3'
Protein context (NP_000170.1, residues 124-144): GKSVRVHVQF[Phe134=]DDSPTRGWVS

ClinVar aggregate classification (germline): Benign/Likely benign. Review status: criteria provided, multiple submitters, no conflicts (2 of 4 stars). 3 submissions from 3 submitters: Benign (1); Likely benign (2). Last evaluated 2025-04-21.

Conditions:
Hereditary nonpolyposis colorectal neoplasms. Identifiers: MedGen C0009405, MeSH D003123.
Hereditary cancer-predisposing syndrome. Also called: Neoplastic Syndromes, Hereditary; Hereditary Cancer Syndrome; Hereditary neoplastic syndrome; Tumor predisposition. Identifiers: Orphanet 140162, MedGen C0027672, MeSH D009386, MONDO:0015356.
Lynch syndrome 5 (LYNCH5). Also called: Hereditary non-polyposis colorectal cancer, type 5; Colorectal cancer, hereditary nonpolyposis, type 5. Identifiers: Orphanet 144, MedGen C1833477, MONDO:0013710, OMIM 614350. Disease mechanism: loss of function.

Submissions (3):

Ambry Genetics
Classification: Likely benign for Hereditary cancer-predisposing syndrome. Last evaluated: 2025-04-21. Review status: criteria provided, single submitter. Criteria: Ambry Variant Classification Scheme 2023. Collection method: clinical testing. Allele origin: germline.

Myriad Genetics, Inc.
Classification: Benign for Lynch syndrome 5. Last evaluated: 2024-12-18. Review status: criteria provided, single submitter. Criteria: Myriad Autosomal Dominant, Autosomal Recessive and X-Linked Classification Criteria (2023). Collection method: clinical testing. Allele origin: unknown.
Comment: This variant is considered benign. This variant is a silent/synonymous amino acid change and it is not expected to impact splicing.

Labcorp Genetics (formerly Invitae), Labcorp
Classification: Likely benign for Hereditary nonpolyposis colorectal neoplasms. Last evaluated: 2022-11-22. Review status: criteria provided, single submitter. Criteria: Invitae Variant Classification Sherloc (09022015). Collection method: clinical testing. Allele origin: germline.